The following is an entry in ClinVar:

NM_012062.5(DNM1L):c.1382A>G (p.His461Arg)

Gene: DNM1L (dynamin 1 like; plus strand). Cytogenetic location: 12p11.21.
Variant type: single nucleotide variant.
Coding change: c.1382A>G on transcript NM_012062.5 (MANE Select); coding-DNA position 1382, A replaced by G.
Protein change: p.His461Arg; replaces histidine 461 with arginine.
Molecular consequence: missense variant.
Genome position (GRCh38, 1-based): chr12:32,731,879, A>G. VCF-style: chr12-32731879-A-G. GRCh37 (hg19) VCF-style: chr12-32884813-A-G.
Other names: c.1382A>G, p.His461Arg (NM_001278463.2, NM_005690.5, NM_012063.4); c.1421A>G, p.His474Arg (NM_001278464.2, NM_001278465.2, NM_001330380.2); c.773A>G, p.His258Arg (NM_001278466.2); short protein forms H258R, H461R, H474R.
Identifiers: ClinVar variation 4529719 (VCV004529719.1).

ClinVar aggregate classification (germline): Uncertain significance (1 of 4 stars; one submission).

gnomAD v4.1: 1 of 1,613,854 alleles (0.000062%); highest among the groups gnomAD compares: East Asian, 0.0022%; no homozygotes.

Submission:

GeneDx
Classification: Uncertain significance. Last evaluated: 2025-05-15. Review status: criteria provided, single submitter. Criteria: GeneDx Variant Classification Process June 2021. Collection method: clinical testing. Allele origin: germline. Affected: yes.
Comment: Not observed at significant frequency in large population cohorts (gnomAD); In silico analysis supports that this missense variant has a deleterious effect on protein structure/function; Has not been previously published as pathogenic or benign to our knowledge